The following is an entry in ClinVar:

ClinVar aggregate classification (germline): Uncertain significance. Review status: criteria provided, multiple submitters, no conflicts (2 of 4 stars). 2 submissions from 2 submitters: Uncertain significance (2). Last evaluated 2026-01-09.

Conditions:
Retinoblastoma (RB1). Also called: RETINOBLASTOMA, SOMATIC. Identifiers: Orphanet 790, MedGen C0035335, MeSH D012175, MONDO:0008380, OMIM 180200, HP:0009919. Disease mechanism: loss of function. Inheritance: Both sporadic and heritable forms are tested..

Submissions (2):

Labcorp Genetics (formerly Invitae), Labcorp
Classification: Uncertain significance for Retinoblastoma. Last evaluated: 2026-01-09. Review status: criteria provided, single submitter. Criteria: Invitae Variant Classification Sherloc (09022015). Collection method: clinical testing. Allele origin: germline.
Comment: This sequence change replaces aspartic acid, which is acidic and polar, with glycine, which is neutral and non-polar, at codon 604 of the RB1 protein (p.Asp604Gly). This variant is not present in population databases (gnomAD no frequency). This missense change has been observed in individual(s) with retinoblastoma (PMID: 8776589; internal data). ClinVar contains an entry for this variant (Variation ID: 837694). Invitae Evidence Modeling of protein sequence and biophysical properties (such as structural, functional, and spatial information, amino acid conservation, physicochemical variation, residue mobility, and thermodynamic stability) indicates that this missense variant is expected to disrupt RB1 protein function with a positive predictive value of 80%. Experimental studies have shown that this missense change affects RB1 function (PMID: 39938803). Algorithms developed to predict the effect of sequence changes on RNA splicing suggest that this variant may disrupt the consensus splice site. In summary, the available evidence is currently insufficient to determine the role of this variant in disease. Therefore, it has been classified as a Variant of Uncertain Significance.

Genetic Diagnostic Laboratory, University of Pennsylvania School of Medicine
Classification: Uncertain significance for Retinoblastoma. Last evaluated: 2024-05-20. Review status: criteria provided, single submitter. Criteria: ACMG Guidelines, 2015. Collection method: clinical testing. Allele origin: germline. Affected: yes. Observed: 1 variant allele.
Comment: Case and Pedigree Information: BILATERAL CASES:1, UNILATERAL CASES:0, TOTAL CASES:1, PEDIGREES:1. ACMG Codes Applied:PM2

Literature cited by the submitters: PubMed 8776589 (cited by Labcorp Genetics (formerly Invitae), Labcorp); PubMed 39938803 (cited by Labcorp Genetics (formerly Invitae), Labcorp).

NM_000321.3(RB1):c.1811A>G (p.Asp604Gly)

Gene: RB1 (RB transcriptional corepressor 1; plus strand). Cytogenetic location: 13q14.2.
Variant type: single nucleotide variant.
Coding change: c.1811A>G on transcript NM_000321.3 (MANE Select); coding-DNA position 1811, A replaced by G.
Protein change: p.Asp604Gly; replaces aspartic acid 604 with glycine.
Molecular consequence: missense variant.
Genome position (GRCh38, 1-based): chr13:48,453,108, A>G. VCF-style: chr13-48453108-A-G. GRCh37 (hg19) VCF-style: chr13-49027244-A-G.
Other names: short protein forms D604G.
Identifiers: ClinVar variation 837694 (VCV000837694.10), dbSNP rs1949339014, ClinGen allele CA388165664.
Genomic context (GRCh38, chr13:48,453,108, plus strand): 5'-ATCACCTTGAATCTGCTTGTCCTCTTAATCTTCCTCTCCAGAATAATCACACTGCAGCAG[A>G]TATGTAAGCAAAATATATGTTATGTTGACCATTCAAACTGCAAATAGATTTTAAGCATAA-3'
Protein context (NP_000312.2, residues 594-614): LPLQNNHTAA[Asp604Gly]MYLSPVRSPK